The following is an entry in ClinVar:

ClinVar aggregate classification (germline): Uncertain significance (1 of 4 stars; one submission).

Conditions:
Hereditary cancer-predisposing syndrome. Also called: Neoplastic Syndromes, Hereditary; Tumor predisposition; Hereditary Cancer Syndrome; Hereditary neoplastic syndrome. Identifiers: Orphanet 140162, MedGen C0027672, MeSH D009386, MONDO:0015356.

Submission:

Ambry Genetics
Classification: Uncertain significance for Hereditary cancer-predisposing syndrome. Last evaluated: 2025-10-07. Review status: criteria provided, single submitter. Criteria: Ambry Variant Classification Scheme 2023. Collection method: clinical testing. Allele origin: germline.
Comment: The c.-3+5C>G intronic variant is located in the 5' untranslated region (5&rsquo; UTR) of the CTNNA1 gene. This intronic variant results from a C to G substitution 5 nucleotides after the first translated codon. This nucleotide position is well conserved in available vertebrate species. In silico splice site analysis predicts that this alteration will not have any significant effect on splicing. Based on the available evidence, the clinical significance of this variant remains unclear.

NM_001903.5(CTNNA1):c.-3+5C>G

Genes: CTNNA1 (catenin alpha 1; plus strand), CTNNA1-AS1 (CTNNA1 antisense RNA 1; minus strand). Cytogenetic location: 5q31.2.
Variant type: single nucleotide variant.
Coding change: c.-3+5C>G on transcript NM_001903.5 (MANE Select); 5 bases into the intron after 3 bases upstream of the start codon, C replaced by G.
Molecular consequence: intron variant.
Genome position (GRCh38, 1-based): chr5:138,753,515, C>G. VCF-style: chr5-138753515-C-G. GRCh37 (hg19) VCF-style: chr5-138089204-C-G.
Other names: c.-473+5C>G (NM_001323982.2); c.-21+5C>G (NM_001323984.2); c.-3+5C>G (NM_001290307.3, NM_001323985.2, NM_001323986.2); c.-209+5C>G (NM_001290310.3); c.-116+5C>G (NM_001290309.3).
Identifiers: ClinVar variation 4635424 (VCV004635424.1).
Genomic context (GRCh38, chr5:138,753,515, plus strand): 5'-GCAGCGCCCGTCTGCTTCGGGCCTCTGGAATTTAGCGCTCGCCCAGCTAGCCGCAGGTAA[C>G]TTCGTACCTCCCTCCTCGCGGGCGCGGTCTCTCGGGCCAGGCCGAGAGGGTCCTTGGGCC-3'